The following is an entry in ClinVar:

ClinVar aggregate classification (germline): Uncertain significance. Review status: criteria provided, multiple submitters, no conflicts (2 of 4 stars). 3 submissions from 3 submitters: Uncertain significance (3). Last evaluated 2024-11-07.

Conditions:
Ichthyosis linearis circumflexa. Identifiers: MedGen C0265962, MONDO:0043106, HP:0025810.
Netherton syndrome (NETH). Also called: ERYTHRODERMA, ICHTHYOSIFORM, WITH HYPOTRICHOSIS AND HYPER-IgE; COMEL-NETHERTON SYNDROME; NETHERTON DISEASE. Identifiers: Orphanet 634, MedGen C5574950, MONDO:0009735, OMIM 256500.

Allele frequency attached by ClinVar (database versions not stated): gnomAD exomes below 0.00001 and 0.00001; gnomAD 0.00001 and 0.00002; TOPMed 0.00002; ExAC 0.00003.
gnomAD v4.1: 9 of 1,612,246 alleles (0.00056%); highest among the groups gnomAD compares: Non-Finnish European, 0.00059%; no homozygotes.

Submissions (3):

GeneDx
Classification: Uncertain significance. Last evaluated: 2024-11-07. Review status: criteria provided, single submitter. Criteria: GeneDx Variant Classification Process June 2021. Collection method: clinical testing. Allele origin: germline. Affected: yes.
Comment: Not observed at significant frequency in large population cohorts (gnomAD); In silico analysis indicates that this missense variant does not alter protein structure/function; Has not been previously published as pathogenic or benign to our knowledge

Labcorp Genetics (formerly Invitae), Labcorp
Classification: Uncertain significance for Ichthyosis linearis circumflexa. Last evaluated: 2022-08-15. Review status: criteria provided, single submitter. Criteria: Invitae Variant Classification Sherloc (09022015). Collection method: clinical testing. Allele origin: germline.
Comment: Algorithms developed to predict the effect of missense changes on protein structure and function are either unavailable or do not agree on the potential impact of this missense change (SIFT: "Tolerated"; PolyPhen-2: "Possibly Damaging"; Align-GVGD: "Class C0"). ClinVar contains an entry for this variant (Variation ID: 907430). This variant has not been reported in the literature in individuals affected with SPINK5-related conditions. This variant is present in population databases (rs759053532, gnomAD 0.003%). This sequence change replaces leucine, which is neutral and non-polar, with phenylalanine, which is neutral and non-polar, at codon 280 of the SPINK5 protein (p.Leu280Phe). In summary, the available evidence is currently insufficient to determine the role of this variant in disease. Therefore, it has been classified as a Variant of Uncertain Significance.

Illumina Laboratory Services, Illumina
Classification: Uncertain significance for Netherton syndrome. Last evaluated: 2018-01-13. Review status: criteria provided, single submitter. Criteria: ICSL Variant Classification Criteria 13 December 2019. Collection method: clinical testing. Allele origin: germline.

NM_006846.4(SPINK5):c.840G>T (p.Leu280Phe)

Gene: SPINK5 (serine peptidase inhibitor Kazal type 5; plus strand). Cytogenetic location: 5q32.
Variant type: single nucleotide variant.
Coding change: c.840G>T on transcript NM_006846.4 (MANE Select); coding-DNA position 840, G replaced by T.
Protein change: p.Leu280Phe; replaces leucine 280 with phenylalanine.
Molecular consequence: missense variant.
Genome position (GRCh38, 1-based): chr5:148,095,863, G>T. VCF-style: chr5-148095863-G-T. GRCh37 (hg19) VCF-style: chr5-147475426-G-T.
Other names: c.840G>T, p.Leu280Phe (NM_001127698.2, NM_001127699.2); short protein forms L280F.
Identifiers: ClinVar variation 907430 (VCV000907430.10), dbSNP rs759053532, ClinGen allele CA3495377.